The following is an entry in ClinVar:

ClinVar aggregate classification (germline): Likely pathogenic (1 of 4 stars; one submission).

Conditions:
Microcephaly 18, primary, autosomal dominant (MCPH18). Identifiers: MedGen C4479608, MONDO:0054593, OMIM 617520.

Submission:

3billion
Classification: Likely pathogenic for Microcephaly 18, primary, autosomal dominant. Last evaluated: 2024-10-31. Review status: criteria provided, single submitter. Criteria: ACMG Guidelines, 2015. Collection method: clinical testing. Allele origin: germline. Affected: yes.
Comment: The variant is not observed in the gnomAD v4.1.0 dataset. Predicted Consequence/Location: Frameshift: predicted to result in a loss or disruption of normal protein function through nonsense-mediated decay (NMD) or protein truncation. Multiple pathogenic variants are reported downstream of the variant. Therefore, this variant is classified as Likely pathogenic according to the recommendation of ACMG/AMP guideline.

NM_014991.6(WDFY3):c.1471_1483del (p.Arg491fs)

Gene: WDFY3 (WD repeat and FYVE domain containing 3; minus strand). Cytogenetic location: 4q21.23.
Variant type: Deletion.
Coding change: c.1471_1483del on transcript NM_014991.6 (MANE Select); coding-DNA positions 1471 to 1483, 13 bases deleted (AGACATGACTACA).
Protein change: p.Arg491fs; shifts the reading frame from arginine 491.
Molecular consequence: frameshift variant.
Genome position (GRCh38, 1-based): chr4:84,821,192-84,821,204, TGTAGTCATGTCT deleted on the plus strand (AGACATGACTACA on the coding strand, the reverse complement: WDFY3 is on the minus strand); deleting any 13 consecutive bases within chr4:84,821,192-84,821,208 gives the same sequence; the c. name uses the placement nearest the transcript's 3' end. VCF-style (leftmost placement, unchanged base first): chr4-84821191-ATGTAGTCATGTCT-A. GRCh37 (hg19) VCF-style: chr4-85742344-ATGTAGTCATGTCT-A.
Other names: short protein forms R491fs.
Identifiers: ClinVar variation 4292086 (VCV004292086.1).